The following is an entry in ClinVar:

NM_001849.4(COL6A2):c.2665C>T (p.Gln889Ter)

Gene: COL6A2 (collagen type VI alpha 2 chain; plus strand). Cytogenetic location: 21q22.3.
Variant type: single nucleotide variant.
Coding change: c.2665C>T on transcript NM_001849.4 (MANE Select); coding-DNA position 2665, C replaced by T.
Protein change: p.Gln889Ter; replaces glutamine 889 with a stop codon.
Molecular consequence: nonsense.
Genome position (GRCh38, 1-based): chr21:46,132,157, C>T. VCF-style: chr21-46132157-C-T. GRCh37 (hg19) VCF-style: chr21-47552071-C-T.
Other names: Q889*.
Identifiers: ClinVar variation 3252108 (VCV003252108.2), dbSNP rs1241180076.

ClinVar aggregate classification (germline): Likely pathogenic. Review status: criteria provided, single submitter (1 of 4 stars). 2 submissions from 2 submitters: Likely pathogenic (1). 1 of the submissions does not count toward it. Last evaluated 2026-08-01.

Conditions:
BETHLEM MYOPATHY 1B, AUTOSOMAL RECESSIVE.

Submissions (2):

CeGaT Center for Human Genetics Tuebingen
Classification: Likely pathogenic. Last evaluated: 2026-08-01. Review status: criteria provided, single submitter. Criteria: CeGaT Center For Human Genetics Tuebingen Variant Classification Criteria Version 2. Collection method: clinical testing. Allele origin: germline. Affected: yes. Observed: 1 variant allele.
Comment: COL6A2: PVS1:Strong, PM2, PM3

OMIM
Classification: Pathogenic for BETHLEM MYOPATHY 1B, AUTOSOMAL RECESSIVE. Last evaluated: 2024-07-15. Review status: no assertion criteria provided. Collection method: literature only. Allele origin: germline. Not counted in ClinVar's aggregate classification.

Literature cited by the submitters: PubMed 31471117 (cited by OMIM).